The following is an entry in ClinVar:

ClinVar aggregate classification (germline): Likely pathogenic (1 of 4 stars; one submission).

Conditions:
Aortic aneurysm, familial thoracic 4 (AAT4). Also called: AORTIC ANEURYSM/AORTIC DISSECTION AND PATENT DUCTUS ARTERIOSUS. Identifiers: MedGen C1851504, MONDO:0007568, OMIM 132900.

Submission:

Labcorp Genetics (formerly Invitae), Labcorp
Classification: Likely pathogenic for Aortic aneurysm, familial thoracic 4. Last evaluated: 2021-06-02. Review status: criteria provided, single submitter. Criteria: Invitae Variant Classification Sherloc (09022015). Collection method: clinical testing. Allele origin: germline.
Comment: This sequence change affects a donor splice site in intron 30 of the MYH11 gene. It is expected to disrupt RNA splicing. Variants that disrupt the donor or acceptor splice site typically lead to a loss of protein function (PMID: 16199547), and loss-of-function variants in MYH11 are known to be pathogenic (PMID: 25407000, 29575632). This variant is not present in population databases (ExAC no frequency). This variant has not been reported in the literature in individuals with MYH11-related conditions. Algorithms developed to predict the effect of sequence changes on RNA splicing suggest that this variant may disrupt the consensus splice site, but this prediction has not been confirmed by published transcriptional studies. In summary, the currently available evidence indicates that the variant is pathogenic, but additional data are needed to prove that conclusively. Therefore, this variant has been classified as Likely Pathogenic.

Literature cited by the submitters: PubMed 16199547; PubMed 25407000; PubMed 29575632.

NM_002474.3(MYH11):c.3963+1G>C

Genes: MYH11 (myosin heavy chain 11; minus strand), NDE1 (nudE neurodevelopment protein 1; plus strand). Cytogenetic location: 16p13.11.
Variant type: single nucleotide variant.
Coding change: c.3963+1G>C on transcript NM_002474.3 (MANE Select); the canonical splice donor site of the intron after coding-DNA position 3963, G replaced by C.
Molecular consequence: splice donor variant. On other transcripts: 3 prime UTR variant (2).
Genome position (GRCh38, 1-based): chr16:15,724,887, C>G on the plus strand (G>C on the coding strand, the complement: MYH11 is on the minus strand). VCF-style: chr16-15724887-C-G. GRCh37 (hg19) VCF-style: chr16-15818744-C-G.
Other names: c.3984+1G>C (NM_001040114.2, NM_001040113.2); c.*636C>G (NM_017668.3, NM_001143979.2); c.3963+1G>C (NM_022844.3).
Identifiers: ClinVar variation 1465192 (VCV001465192.8), dbSNP rs2151219802, ClinGen allele CA394858760.
Genomic context (GRCh38, chr16:15,724,887, plus strand): 5'-GGGACCTGCCCCGAGGAAGGCCACCCCCCAGGTCCCCTGGATGATGTGGCAGGACACTCA[C>G]CTGGGTGTCCTGGAGCTGGGAACTGAGGGACGCCACGTCCTTGGCCAGCTTAATGGCCTT-3'